The following is an entry in ClinVar:

NM_021098.3(CACNA1H):c.3330C>T (p.Ser1110=)

Gene: CACNA1H (calcium voltage-gated channel subunit alpha1 H; plus strand). Cytogenetic location: 16p13.3.
Variant type: single nucleotide variant.
Coding change: c.3330C>T on transcript NM_021098.3 (MANE Select); coding-DNA position 3330, C replaced by T.
Protein change: p.Ser1110=; no amino-acid change (serine 1110 retained).
Molecular consequence: synonymous variant.
Genome position (GRCh38, 1-based): chr16:1,208,188, C>T. VCF-style: chr16-1208188-C-T. GRCh37 (hg19) VCF-style: chr16-1258188-C-T.
Other names: c.3330C>T, p.Ser1110= (NM_001005407.2).
Identifiers: ClinVar variation 779572 (VCV000779572.13), dbSNP rs761381340, ClinGen allele CA7800718.
Genomic context (GRCh38, chr16:1,208,188, plus strand): 5'-CTCACCATTCCTGGATGCAGCCCCCAGCCTCCCAGACTCTCGGCGTGGCAGCAGCAGCTC[C>T]GGGGACCCGCCACTGGGAGACCAGAAGCCTCCGGTAGGGACCATCTCCTGCCCCAGCTCT-3'
Protein context (NP_066921.2, residues 1100-1120): LPDSRRGSSS[Ser1110=]GDPPLGDQKP

ClinVar aggregate classification (germline): Likely benign. Review status: criteria provided, multiple submitters, no conflicts (2 of 4 stars). 3 submissions from 3 submitters: Likely benign (2). 1 of the submissions does not count toward it. Last evaluated 2026-01-05.

Conditions:
CACNA1H-related disorder.
Idiopathic generalized epilepsy. Also called: Generalised epilepsy; EIG. Identifiers: MedGen C0270850, MONDO:0005579, OMIM 600669.
Hyperaldosteronism, familial, type IV (HALD4). Also called: FH IV; ALDOSTERONISM, PRIMARY, AND HYPERTENSION. Identifiers: Orphanet 642671, MedGen C4310756, MONDO:0014875, OMIM 617027.

Allele frequency attached by ClinVar (database versions not stated): gnomAD exomes 0.00007 and 0.00011; gnomAD 0.00011 and 0.00012; TOPMed 0.00017; ExAC 0.00026.
gnomAD v4.1: 114 of 1,544,530 alleles (0.0074%); highest among the groups gnomAD compares: Middle Eastern, 0.023%; no homozygotes.

Submissions (3):

Labcorp Genetics (formerly Invitae), Labcorp
Classification: Likely benign for Idiopathic generalized epilepsy; Hyperaldosteronism, familial, type IV. Last evaluated: 2026-01-05. Review status: criteria provided, single submitter. Criteria: Invitae Variant Classification Sherloc (09022015). Collection method: clinical testing. Allele origin: germline.

Blueprint Genetics
Classification: Likely benign. Last evaluated: 2024-08-21. Review status: criteria provided, single submitter. Criteria: ACMG Guidelines, 2015. Collection method: clinical testing. Allele origin: germline.

PreventionGenetics, part of Exact Sciences
Classification: Likely benign for CACNA1H-related condition. Last evaluated: 2019-06-17. Review status: no assertion criteria provided. Collection method: clinical testing. Allele origin: germline. Not counted in ClinVar's aggregate classification.
Comment: This variant is classified as likely benign based on ACMG/AMP sequence variant interpretation guidelines (Richards et al. 2015 PMID: 25741868, with internal and published modifications).